The following is an entry in ClinVar:

ClinVar aggregate classification (germline): Likely benign (1 of 4 stars; one submission).

Conditions:
Fraser syndrome 2 (FRASRS2). Identifiers: MedGen C4540036, MONDO:0054738, OMIM 617666.

Allele frequency attached by ClinVar (database versions not stated): gnomAD 0.00059 and 0.00064; TOPMed 0.00095; 1000 Genomes Project 30x 0.00156; 1000 Genomes Project 0.00180.

Submission:

Illumina Laboratory Services, Illumina
Classification: Likely benign for Fraser syndrome 2. Last evaluated: 2018-01-13. Review status: criteria provided, single submitter. Criteria: ICSL Variant Classification Criteria 13 December 2019. Collection method: clinical testing. Allele origin: germline.
Comment: This variant was observed in the ICSL laboratory as part of a predisposition screen in an ostensibly healthy population. It had not been previously curated by ICSL or reported in the Human Gene Mutation Database (HGMD: prior to June 1st, 2018), and was therefore a candidate for classification through an automated scoring system. Utilizing variant allele frequency, disease prevalence and penetrance estimates, and inheritance mode, an automated score was calculated to assess if this variant is too frequent to cause the disease. Based on the score and internal cut-off values, a variant classified as likely benign is not then subjected to further curation. The score for this variant resulted in a classification of likely benign for this disease.

NM_207361.6(FREM2):c.*3136G>A

Gene: FREM2 (FRAS1 related extracellular matrix 2; plus strand). Cytogenetic location: 13q13.3.
Variant type: single nucleotide variant.
Coding change: c.*3136G>A on transcript NM_207361.6 (MANE Select); 3136 bases downstream of the stop codon, G replaced by A.
Molecular consequence: 3 prime UTR variant.
Genome position (GRCh38, 1-based): chr13:38,883,923, G>A. VCF-style: chr13-38883923-G-A. GRCh37 (hg19) VCF-style: chr13-39458060-G-A.
Identifiers: ClinVar variation 882909 (VCV000882909.4), dbSNP rs192657481, ClinGen allele CA248324725.